The following is an entry in ClinVar:

ClinVar aggregate classification (germline): Likely benign (1 of 4 stars; one submission).

Submission:

ARUP Laboratories, Molecular Genetics and Genomics, ARUP Laboratories
Classification: Likely benign. Last evaluated: 2024-11-20. Review status: criteria provided, single submitter. Criteria: ARUP Molecular Germline Variant Investigation Process 2024. Collection method: clinical testing. Allele origin: germline.
Comment: The Hb J-Tashikuergan variant (HBA2: c.59C>A; p.Ala20Glu, also known as Asp19Glu when numbered from the mature protein, rs281864813, HbVar ID: 25) is reported in the literature in individuals with normal hematology (Xu 2021, HbVar database and references therein). This variant is absent from the Genome Aggregation Database (v2.1.1), indicating it is not a common polymorphism. Computational analyses are uncertain whether this variant is neutral or deleterious (REVEL: 0.52), but functional studies suggest it has normal stability, although it may interfere with measurement of HbA1c (Xu 2021, HbVar database and references therein). Based on available information, this variant is considered to be likely benign. References: Link to HbVar database: Xu J et al. Unexpected HbA1c results in the presence of three rare hemoglobin variants. Scand J Clin Lab Invest. 2021 Feb;81(1):59-64. PMID: 33315479.

NM_000517.6(HBA2):c.59C>A (p.Ala20Glu)

Genes: HBA2 (hemoglobin subunit alpha 2; plus strand), LOC106804612 (hemoglobin subunit alpha 2 recombination region; plus strand). Cytogenetic location: 16p13.3.
Variant type: single nucleotide variant.
Coding change: c.59C>A on transcript NM_000517.6 (MANE Select); coding-DNA position 59, C replaced by A.
Protein change: p.Ala20Glu; replaces alanine 20 with glutamic acid.
Molecular consequence: missense variant.
Genome position (GRCh38, 1-based): chr16:172,971, C>A. VCF-style: chr16-172971-C-A. GRCh37 (hg19) VCF-style: chr16-222970-C-A.
Other names: short protein forms A20E.
Identifiers: ClinVar variation 3767078 (VCV003767078.1).